The following is an entry in ClinVar:

ClinVar aggregate classification (germline): Uncertain significance (1 of 4 stars; one submission).

Allele frequency attached by ClinVar (database versions not stated): gnomAD 0.00001 and 0.00004; gnomAD exomes 0.00002 and 0.00004; TOPMed 0.00002; ExAC 0.00004.
gnomAD v4.1: 30 of 1,614,134 alleles (0.0019%); highest among the groups gnomAD compares: South Asian, 0.011%; 1 homozygote.

Submission:

Labcorp Genetics (formerly Invitae), Labcorp
Classification: Uncertain significance. Last evaluated: 2021-09-01. Review status: criteria provided, single submitter. Criteria: Invitae Variant Classification Sherloc (09022015). Collection method: clinical testing. Allele origin: germline.
Comment: This sequence change replaces arginine with glutamine at codon 275 of the RDH5 protein (p.Arg275Gln). The arginine residue is moderately conserved and there is a small physicochemical difference between arginine and glutamine. This variant is present in population databases (rs763676982, ExAC 0.02%). This variant has not been reported in the literature in individuals affected with RDH5-related conditions. Algorithms developed to predict the effect of missense changes on protein structure and function (SIFT, PolyPhen-2, Align-GVGD) all suggest that this variant is likely to be tolerated. In summary, the available evidence is currently insufficient to determine the role of this variant in disease. Therefore, it has been classified as a Variant of Uncertain Significance.

NM_002905.5(RDH5):c.824G>A (p.Arg275Gln)

Genes: BLOC1S1-RDH5 (BLOC1S1-RDH5 readthrough; plus strand), CD63 (CD63 molecule; minus strand), RDH5 (retinol dehydrogenase 5; plus strand). Cytogenetic location: 12q13.2.
Variant type: single nucleotide variant.
Coding change: c.824G>A on transcript NM_002905.5 (MANE Select); coding-DNA position 824, G replaced by A.
Protein change: p.Arg275Gln; replaces arginine 275 with glutamine.
Molecular consequence: missense variant. On other transcripts: non-coding transcript variant (1).
Genome position (GRCh38, 1-based): chr12:55,724,412, G>A. VCF-style: chr12-55724412-G-A. GRCh37 (hg19) VCF-style: chr12-56118196-G-A.
Other names: c.824G>A, p.Arg275Gln (NM_001199771.3); short protein forms R275Q.
Identifiers: ClinVar variation 960777 (VCV000960777.7), dbSNP rs763676982, ClinGen allele CA6616968.